The following is an entry in ClinVar:

ClinVar aggregate classification (germline): Likely pathogenic (1 of 4 stars; one submission).

Conditions:
Fabry disease. Also called: ALPHA-GALACTOSIDASE A DEFICIENCY; ANDERSON-FABRY DISEASE; CERAMIDE TRIHEXOSIDASE DEFICIENCY; GLA DEFICIENCY; HEREDITARY DYSTOPIC LIPIDOSIS; Angiokeratoma corporis diffusum. Identifiers: Orphanet 324, MedGen C0002986, MONDO:0010526, OMIM 301500, HP:0001071. Disease mechanism: Fabry disease is due to inactivating mutations in the X-linked GLA gene resulting in deficiency of the enzyme Alpha Galactosidase-A., loss of function.

Submission:

Genomenon, Inc
Classification: Likely pathogenic for Fabry disease. Last evaluated: 2026-09-08. Review status: criteria provided, single submitter. Criteria: Genomenon Sequence Variant Interpretation Standards - Updated. Collection method: curation. Allele origin: germline. Affected: yes.
Comment: GLA p.Leu68Pro (c.203T>C) is a missense variant that changes the amino acid at codon 68 from Leucine to Proline. This variant has been observed in at least one proband with clinical features consistent with Fabry disease (PMID:30677769;35743707). Functional or patient cell studies have been reported (PMID:30677769;36140787). The presence of pathogenic/likely pathogenic missense variant(s) at the same amino acid position indicates that this residue is likely important for protein function. It is absent or not present at a significant frequency in gnomAD. In silico models predict that this variant is possibly or probably damaging. In conclusion, we classify GLA p.Leu68Pro (c.203T>C) as a likely pathogenic variant.

Literature cited by the submitters: PubMed 30677769; PubMed 35743707; PubMed 36140787.

NM_000169.3(GLA):c.203T>C (p.Leu68Pro)

Genes: GLA (galactosidase alpha; minus strand), RPL36A-HNRNPH2 (RPL36A-HNRNPH2 readthrough; plus strand). Cytogenetic location: Xq22.1.
Variant type: single nucleotide variant.
Coding change: c.203T>C on transcript NM_000169.3 (MANE Select); coding-DNA position 203, T replaced by C.
Protein change: p.Leu68Pro; replaces leucine 68 with proline.
Molecular consequence: missense variant. On other transcripts: non-coding transcript variant (3), intron variant (2).
Genome position (GRCh38, 1-based): chrX:101,403,977, A>G on the plus strand (T>C on the coding strand, the complement: GLA is on the minus strand). VCF-style: chrX-101403977-A-G. GRCh37 (hg19) VCF-style: chrX-100658965-A-G.
Other names: c.326T>C, p.Leu109Pro (NM_001406747.1, NM_001406749.1); c.203T>C, p.Leu68Pro (NM_001406748.1); c.301-7959A>G (NM_001199973.2); c.178-7959A>G (NM_001199974.2); short protein forms L109P, L68P.
Identifiers: ClinVar variation 4087299 (VCV004087299.2).